The following is an entry in ClinVar:

NM_001101362.3(KBTBD13):c.855G>T (p.Trp285Cys)

Gene: KBTBD13 (kelch repeat and BTB domain containing 13; plus strand). Cytogenetic location: 15q22.31.
Variant type: single nucleotide variant.
Coding change: c.855G>T on transcript NM_001101362.3 (MANE Select); coding-DNA position 855, G replaced by T.
Protein change: p.Trp285Cys; replaces tryptophan 285 with cysteine.
Molecular consequence: missense variant.
Genome position (GRCh38, 1-based): chr15:65,077,670, G>T. VCF-style: chr15-65077670-G-T. GRCh37 (hg19) VCF-style: chr15-65370008-G-T.
Other names: short protein forms W285C.
Identifiers: ClinVar variation 4737887 (VCV004737887.1).

ClinVar aggregate classification (germline): Uncertain significance (1 of 4 stars; one submission).

Conditions:
Nemaline myopathy 6 (NEM6). Also called: Nemaline myopathy 6, autosomal dominant. Identifiers: Orphanet 171439, MedGen C1836472, MONDO:0012237, OMIM 609273.

Submission:

Labcorp Genetics (formerly Invitae), Labcorp
Classification: Uncertain significance for Nemaline myopathy 6. Last evaluated: 2025-10-03. Review status: criteria provided, single submitter. Criteria: Invitae Variant Classification Sherloc (09022015). Collection method: clinical testing. Allele origin: germline.
Comment: This sequence change replaces tryptophan, which is neutral and slightly polar, with cysteine, which is neutral and slightly polar, at codon 285 of the KBTBD13 protein (p.Trp285Cys). This variant is not present in population databases (gnomAD no frequency). This variant has not been reported in the literature in individuals affected with KBTBD13-related conditions. Invitae Evidence Modeling of protein sequence and biophysical properties (such as structural, functional, and spatial information, amino acid conservation, physicochemical variation, residue mobility, and thermodynamic stability) indicates that this missense variant is expected to disrupt KBTBD13 protein function with a positive predictive value of 80%. In summary, the available evidence is currently insufficient to determine the role of this variant in disease. Therefore, it has been classified as a Variant of Uncertain Significance.